The following is an entry in ClinVar:

ClinVar aggregate classification (germline): Pathogenic (1 of 4 stars; one submission).

Conditions:
Capillary malformation-arteriovenous malformation syndrome. Also called: Capillary malformation-arteriovenous malformation. Identifiers: Orphanet 137667, MedGen C1842180, MONDO:0012016.

Submission:

Labcorp Genetics (formerly Invitae), Labcorp
Classification: Pathogenic for Capillary malformation-arteriovenous malformation syndrome. Last evaluated: 2022-09-22. Review status: criteria provided, single submitter. Criteria: Invitae Variant Classification Sherloc (09022015). Collection method: clinical testing. Allele origin: germline.
Comment: For these reasons, this variant has been classified as Pathogenic. This variant has not been reported in the literature in individuals affected with RASA1-related conditions. This variant is not present in population databases (gnomAD no frequency). This sequence change creates a premature translational stop signal (p.Trp351*) in the RASA1 gene. It is expected to result in an absent or disrupted protein product. Loss-of-function variants in RASA1 are known to be pathogenic (PMID: 24038909).

Literature cited by the submitters: PubMed 24038909.

NM_002890.3(RASA1):c.1053G>A (p.Trp351Ter)

Genes: CCNH (cyclin H; minus strand), RASA1 (RAS p21 protein activator 1; plus strand). Cytogenetic location: 5q14.3.
Variant type: single nucleotide variant.
Coding change: c.1053G>A on transcript NM_002890.3 (MANE Select); coding-DNA position 1053, G replaced by A.
Protein change: p.Trp351Ter; replaces tryptophan 351 with a stop codon.
Molecular consequence: nonsense. On other transcripts: intron variant (1).
Genome position (GRCh38, 1-based): chr5:87,346,675, G>A. VCF-style: chr5-87346675-G-A. GRCh37 (hg19) VCF-style: chr5-86642492-G-A.
Other names: c.522G>A, p.Trp174Ter (NM_022650.3); c.934-33880C>T (NM_001364075.2); short protein forms W174*, W351*.
Identifiers: ClinVar variation 2091621 (VCV002091621.4), dbSNP rs1758886526, ClinGen allele CA360362734.